The following is an entry in ClinVar:

ClinVar aggregate classification (germline): Uncertain significance (1 of 4 stars; one submission).

Allele frequency attached by ClinVar (database versions not stated): gnomAD 0.00001.
gnomAD v4.1: 42 of 1,612,952 alleles (0.0026%); highest among the groups gnomAD compares: South Asian, 0.046%; 1 homozygote.

Submission:

Labcorp Genetics (formerly Invitae), Labcorp
Classification: Uncertain significance. Last evaluated: 2022-10-13. Review status: criteria provided, single submitter. Criteria: Invitae Variant Classification Sherloc (09022015). Collection method: clinical testing. Allele origin: germline.
Comment: In summary, the available evidence is currently insufficient to determine the role of this variant in disease. Therefore, it has been classified as a Variant of Uncertain Significance. Advanced modeling of protein sequence and biophysical properties (such as structural, functional, and spatial information, amino acid conservation, physicochemical variation, residue mobility, and thermodynamic stability) performed at Invitae indicates that this missense variant is not expected to disrupt TRAF3IP1 protein function. This variant has not been reported in the literature in individuals affected with TRAF3IP1-related conditions. This variant is present in population databases (rs779613172, gnomAD 0.07%). This sequence change replaces isoleucine, which is neutral and non-polar, with valine, which is neutral and non-polar, at codon 583 of the TRAF3IP1 protein (p.Ile583Val).

NM_015650.4(TRAF3IP1):c.1747A>G (p.Ile583Val)

Gene: TRAF3IP1 (TRAF3 interacting protein 1; plus strand). Cytogenetic location: 2q37.3.
Variant type: single nucleotide variant.
Coding change: c.1747A>G on transcript NM_015650.4 (MANE Select); coding-DNA position 1747, A replaced by G.
Protein change: p.Ile583Val; replaces isoleucine 583 with valine.
Molecular consequence: missense variant.
Genome position (GRCh38, 1-based): chr2:238,397,516, A>G. VCF-style: chr2-238397516-A-G. GRCh37 (hg19) VCF-style: chr2-239306157-A-G.
Other names: c.1549A>G, p.Ile517Val (NM_001139490.1); short protein forms I517V, I583V.
Identifiers: ClinVar variation 2109501 (VCV002109501.4), dbSNP rs779613172, ClinGen allele CA2198565.